The following is an entry in ClinVar:

NC_000003.12:g.169764758C>G

Genes: TERC (telomerase RNA component; minus strand), LOC110806306 (telomerase RNA component (TERC) promoter; plus strand). Cytogenetic location: 3q26.2.
Variant type: single nucleotide variant.
Genome position: GRCh38 VCF-style: chr3-169764758-C-G. GRCh37 (hg19) VCF-style: chr3-169482546-C-G.
Identifiers: ClinVar variation 2711150 (VCV002711150.4), dbSNP rs1777960206, ClinGen allele CA436715107.

ClinVar aggregate classification (germline): Conflicting classifications of pathogenicity. Review status: criteria provided, conflicting classifications (1 of 4 stars). 2 submissions from 2 submitters: Likely pathogenic (1); Uncertain significance (1). Last evaluated 2022-11-25.

Conditions:
Dyskeratosis congenita, autosomal dominant 1 (DKCA1). Also called: Dyskeratosis congenita Scoggins type. Identifiers: Orphanet 1775, MedGen C4551974, MONDO:0007485, OMIM 127550. Inheritance: Variable.
TERC-related disorder. Also called: TERC-related condition.

Allele frequency attached by ClinVar (database versions not stated): TOPMed below 0.00001.

Submissions (2):

Labcorp Genetics (formerly Invitae), Labcorp
Classification: Uncertain significance for Dyskeratosis congenita, autosomal dominant 1. Last evaluated: 2022-11-25. Review status: criteria provided, single submitter. Criteria: Invitae Variant Classification Sherloc (09022015). Collection method: clinical testing. Allele origin: germline.
Comment: This variant is located within the conserved regions 4 and 5 (CR4-CR5) domain of the TERC RNA component, which is required for telomerase activity (PMID: 15082312, 21844345). In summary, the available evidence is currently insufficient to determine the role of this variant in disease. Therefore, it has been classified as a Variant of Uncertain Significance. Experimental studies and prediction algorithms are not available or were not evaluated, and the functional significance of this variant is currently unknown. This variant has been observed in individual(s) with clinical features of TERC-related conditions (PMID: 30523342). This variant is not present in population databases (gnomAD no frequency). This variant occurs in the TERC gene, which encodes an RNA molecule that does not result in a protein product.

Blueprint Genetics
Classification: Likely pathogenic for TERC-related disorders. Last evaluated: 2022-07-22. Review status: criteria provided, single submitter. Criteria: ACMG Guidelines, 2015. Collection method: clinical testing. Allele origin: germline. Affected: yes. Observed: 1 variant allele.

Literature cited by the submitters: PubMed 15082312 (cited by Labcorp Genetics (formerly Invitae), Labcorp); PubMed 21844345 (cited by Labcorp Genetics (formerly Invitae), Labcorp); PubMed 30523342 (cited by Labcorp Genetics (formerly Invitae), Labcorp).